The following is an entry in ClinVar:

ClinVar aggregate classification (germline): Uncertain significance. Review status: criteria provided, multiple submitters, no conflicts (2 of 4 stars). 2 submissions from 2 submitters: Uncertain significance (2). Last evaluated 2026-05-29.

Conditions:
Charcot-Marie-Tooth disease, demyelinating, type 1J. Also called: CHARCOT-MARIE-TOOTH NEUROPATHY, DEMYELINATING, TYPE 1J. Identifiers: MedGen C5774249, MONDO:0859311, OMIM 620111.
Immunodeficiency 133 with ectodermal dysplasia with or without peripheral neuropathy. Identifiers: MedGen C6012744, MONDO:0979570, OMIM 621254.
ITPR3-related disorder. Also called: ITPR3-related condition.

gnomAD v4.1: 35 of 1,610,784 alleles (0.0022%); highest among the groups gnomAD compares: African/African-American, 0.004%; no homozygotes.

Submissions (2):

PreventionGenetics, part of Exact Sciences
Classification: Uncertain significance for ITPR3-related condition. Last evaluated: 2026-05-29. Review status: criteria provided, single submitter. Criteria: ACMG Guidelines, 2015. Collection method: clinical testing. Allele origin: germline.
Comment: The ITPR3 c.4915G>A variant is predicted to result in the amino acid substitution p.Glu1639Lys. To our knowledge, this variant has not been reported in the literature. This variant is reported in 0.0040% of alleles in individuals of African descent in gnomAD. At this time, the clinical significance of this variant is uncertain due to the absence of conclusive functional and genetic evidence.

Clinical Genomics Laboratory, Washington University in St. Louis
Classification: Uncertain significance for Immunodeficiency 133 with ectodermal dysplasia with or without peripheral neuropathy; Charcot-Marie-Tooth disease, demyelinating, type 1J. Last evaluated: 2025-12-17. Review status: criteria provided, single submitter. Criteria: ACMG Guidelines, 2015. Collection method: clinical testing. Allele origin: germline.
Comment: The ITPR3 c.4915G>A (p.Glu1639Lys) variant, to our knowledge, has not been reported in the medical literature. This variant is only observed in 6/281,146 alleles in the general population (gnomAD v.2.1.1), indicating it is not a common variant. Computational predictors indicate that the variant is damaging, evidence that correlates with impact to ITPR3 function. Due to limited information, and based on ACMG/AMP guidelines for variant interpretation (Richards S et al., PMID: 25741868), the clinical significance of this variant is uncertain at this time.

NM_002224.4(ITPR3):c.4915G>A (p.Glu1639Lys)

Gene: ITPR3 (inositol 1,4,5-trisphosphate receptor type 3; plus strand). Cytogenetic location: 6p21.31.
Variant type: single nucleotide variant.
Coding change: c.4915G>A on transcript NM_002224.4 (MANE Select); coding-DNA position 4915, G replaced by A.
Protein change: p.Glu1639Lys; replaces glutamic acid 1639 with lysine.
Molecular consequence: missense variant.
Genome position (GRCh38, 1-based): chr6:33,684,146, G>A. VCF-style: chr6-33684146-G-A. GRCh37 (hg19) VCF-style: chr6-33651923-G-A.
Other names: c.4915G>A (NM_002224.3); short protein forms E1639K.
Identifiers: ClinVar variation 4879313 (VCV004879313.2).